The following is an entry in ClinVar:

ClinVar aggregate classification (germline): Pathogenic (1 of 4 stars; one submission).

Conditions:
Hereditary cancer-predisposing syndrome. Also called: Neoplastic Syndromes, Hereditary; Tumor predisposition; Hereditary Cancer Syndrome; Hereditary neoplastic syndrome. Identifiers: Orphanet 140162, MedGen C0027672, MeSH D009386, MONDO:0015356.

Submission:

Color Diagnostics, LLC DBA Color Health
Classification: Pathogenic for Hereditary cancer-predisposing syndrome. Last evaluated: 2024-05-06. Review status: criteria provided, single submitter. Criteria: ACMG Guidelines, 2015. Collection method: clinical testing. Allele origin: germline.
Comment: This variant inserts 1 nucleotide in exon 18 of the BRCA2 gene, creating a frameshift and premature translation stop signal. This variant is expected to result in an absent or non-functional protein product. To our knowledge, this variant has not been reported in individuals affected with BRCA2-related disorders in the literature. This variant has not been identified in the general population by the Genome Aggregation Database (gnomAD). Loss of BRCA2 function is a known mechanism of disease. Based on the available evidence, this variant is classified as Pathogenic.

NM_000059.4(BRCA2):c.8145dup (p.Val2716fs)

Gene: BRCA2 (BRCA2 DNA repair associated; plus strand). Cytogenetic location: 13q13.1.
Variant type: Duplication.
Coding change: c.8145dup on transcript NM_000059.4 (MANE Select); coding-DNA position 8145, one base duplicated (A; older notation c.8145dupA).
Protein change: p.Val2716fs; shifts the reading frame from valine 2716.
Molecular consequence: frameshift variant. On other transcripts: non-coding transcript variant (1).
Genome position (GRCh38, 1-based): chr13:32,363,347, A duplicated; the last of 5 consecutive A bases (chr13:32,363,343-32,363,347); duplicating any one gives the same sequence. VCF-style (leftmost placement, unchanged base first): chr13-32363342-C-CA. GRCh37 (hg19) VCF-style: chr13-32937479-C-CA.
Other names: c.8049dup, p.Val2684fs (NM_001406719.1); c.8145dup, p.Val2716fs (NM_001406720.1, NM_001432077.1); c.3213dup, p.Val1072fs (NM_001406721.1); c.1728dup, p.Val577fs (NM_001406722.1); short protein forms V1072fs, V2684fs, V2716fs, V577fs.
Identifiers: ClinVar variation 3893801 (VCV003893801.1).
Genomic context (GRCh38, chr13:32,363,342, plus strand): 5'-ATTTCATTGAGCGCAAATATATCTGAAACTTCTAGCAATAAAACTAGTAGTGCAGATACC[C>CA]AAAAAGTGGCCATTATTGAACTTACAGATGGGTGGTATGCTGTTAAGGCCCAGTTAGATC-3'